The following is an entry in ClinVar:

NM_003024.3(ITSN1):c.4471dup (p.Gln1491fs)

Gene: ITSN1 (intersectin 1; plus strand). Cytogenetic location: 21q22.11.
Variant type: Duplication.
Coding change: c.4471dup on transcript NM_003024.3 (MANE Select); coding-DNA position 4471, one base duplicated (C; older notation c.4471dupC).
Protein change: p.Gln1491fs; shifts the reading frame from glutamine 1491.
Molecular consequence: frameshift variant.
Genome position (GRCh38, 1-based): chr21:33,882,372, C duplicated. VCF-style (leftmost placement, unchanged base first): chr21-33882371-T-TC. GRCh37 (hg19) VCF-style: chr21-35254675-T-TC.
Other names: c.4456dup, p.Gln1486fs (NM_001331010.2); short protein forms Q1486fs, Q1491fs.
Identifiers: ClinVar variation 3765682 (VCV003765682.1).

ClinVar aggregate classification (germline): Uncertain significance (1 of 4 stars; one submission).

Submission:

Greenwood Genetic Center Diagnostic Laboratories, Greenwood Genetic Center
Classification: Uncertain significance. Last evaluated: 2024-10-01. Review status: criteria provided, single submitter. Criteria: ACMG Guidelines, 2015. Collection method: clinical testing. Allele origin: germline. Affected: yes.
Comment: Gene of Uncertain Significance